The following is an entry in ClinVar:

ClinVar aggregate classification (germline): Conflicting classifications of pathogenicity. Review status: criteria provided, conflicting classifications (1 of 4 stars). 2 submissions from 2 submitters: Uncertain significance (1); Likely benign (1). Last evaluated 2025-06-24.

Conditions:
Hereditary cancer-predisposing syndrome. Also called: Tumor predisposition; Hereditary Cancer Syndrome; Hereditary neoplastic syndrome; Neoplastic Syndromes, Hereditary. Identifiers: Orphanet 140162, MedGen C0027672, MeSH D009386, MONDO:0015356.
EGFR-related lung cancer (EGFR). Identifiers: MedGen CN130014.

Submissions (2):

Ambry Genetics
Classification: Likely benign for Hereditary cancer-predisposing syndrome. Last evaluated: 2025-06-24. Review status: criteria provided, single submitter. Criteria: Ambry Variant Classification Scheme 2023. Collection method: clinical testing. Allele origin: germline.

Labcorp Genetics (formerly Invitae), Labcorp
Classification: Uncertain significance for EGFR-related lung cancer. Last evaluated: 2021-01-27. Review status: criteria provided, single submitter. Criteria: Invitae Variant Classification Sherloc (09022015). Collection method: clinical testing. Allele origin: germline.
Comment: In summary, the available evidence is currently insufficient to determine the role of this variant in disease. Therefore, it has been classified as a Variant of Uncertain Significance. Algorithms developed to predict the effect of missense changes on protein structure and function (SIFT, PolyPhen-2, Align-GVGD) all suggest that this variant is likely to be tolerated, but these predictions have not been confirmed by published functional studies and their clinical significance is uncertain. This variant has not been reported in the literature in individuals with EGFR-related conditions. This variant is not present in population databases (ExAC no frequency). This sequence change replaces aspartic acid with glutamic acid at codon 770 of the EGFR protein (p.Asp770Glu). The aspartic acid residue is moderately conserved and there is a small physicochemical difference between aspartic acid and glutamic acid.

NM_005228.5(EGFR):c.2310C>A (p.Asp770Glu)

Genes: EGFR (epidermal growth factor receptor; plus strand), EGFR-AS1 (EGFR antisense RNA 1; minus strand). Cytogenetic location: 7p11.2.
Variant type: single nucleotide variant.
Coding change: c.2310C>A on transcript NM_005228.5 (MANE Select); coding-DNA position 2310, C replaced by A.
Protein change: p.Asp770Glu; replaces aspartic acid 770 with glutamic acid.
Molecular consequence: missense variant. On other transcripts: non-coding transcript variant (1).
Genome position (GRCh38, 1-based): chr7:55,181,319, C>A. VCF-style: chr7-55181319-C-A. GRCh37 (hg19) VCF-style: chr7-55249012-C-A.
Other names: c.2310C>A (NM_005228.3); c.2175C>A, p.Asp725Glu (NM_001346897.2, NM_001346899.2); c.2310C>A, p.Asp770Glu (NM_001346898.2); c.2151C>A, p.Asp717Glu (NM_001346900.2); c.1509C>A, p.Asp503Glu (NM_001346941.2); short protein forms D503E, D717E, D770E, D725E.
Identifiers: ClinVar variation 1479650 (VCV001479650.9), dbSNP rs397517110, ClinGen allele CA367578648.